The following is an entry in ClinVar:

ClinVar aggregate classification (germline): Pathogenic (1 of 4 stars; one submission).

Conditions:
Autosomal recessive limb-girdle muscular dystrophy type 2A (LGMDR1). Also called: Muscular dystrophy, limb-girdle, type 2A, Amish; LEYDEN-MOEBIUS MUSCULAR DYSTROPHY; MUSCULAR DYSTROPHY, PELVOFEMORAL; Limb-girdle muscular dystrophy, type 2A; Calpainopathy. Identifiers: Orphanet 267, MedGen C1869123, MONDO:0009675, OMIM 253600. Disease mechanism: loss of function.

Submission:

Labcorp Genetics (formerly Invitae), Labcorp
Classification: Pathogenic for Autosomal recessive limb-girdle muscular dystrophy type 2A. Last evaluated: 2023-03-03. Review status: criteria provided, single submitter. Criteria: Invitae Variant Classification Sherloc (09022015). Collection method: clinical testing. Allele origin: germline.
Comment: For these reasons, this variant has been classified as Pathogenic. This variant has not been reported in the literature in individuals affected with CAPN3-related conditions. This variant is not present in population databases (gnomAD no frequency). This sequence change creates a premature translational stop signal (p.Gln660*) in the CAPN3 gene. It is expected to result in an absent or disrupted protein product. Loss-of-function variants in CAPN3 are known to be pathogenic (PMID: 10330340, 15689361).

Literature cited by the submitters: PubMed 10330340; PubMed 15689361.

NM_000070.3(CAPN3):c.1978C>T (p.Gln660Ter)

Gene: CAPN3 (calpain 3; plus strand). Cytogenetic location: 15q15.1.
Variant type: single nucleotide variant.
Coding change: c.1978C>T on transcript NM_000070.3 (MANE Select); coding-DNA position 1978, C replaced by T.
Protein change: p.Gln660Ter; replaces glutamine 660 with a stop codon.
Molecular consequence: nonsense. On other transcripts: 5 prime UTR variant (2).
Genome position (GRCh38, 1-based): chr15:42,409,366, C>T. VCF-style: chr15-42409366-C-T. GRCh37 (hg19) VCF-style: chr15-42701564-C-T.
Other names: c.1960C>T, p.Gln654Ter (NM_024344.2); c.1702C>T, p.Gln568Ter (NM_173087.2); c.442C>T, p.Gln148Ter (NM_173088.2); c.-18C>T (NM_173089.2, NM_173090.2); c.*1076C>T (NM_212464.2); c.*1653C>T (NM_212467.2); short protein forms Q568*, Q148*, Q654*, Q660*.
Identifiers: ClinVar variation 2982323 (VCV002982323.3), dbSNP rs1391365292, ClinGen allele CA392001275.